The following is an entry in ClinVar:

NM_000528.4(MAN2B1):c.1419+1G>C

Genes: MAN2B1 (mannosidase alpha class 2B member 1; minus strand), LOC129391064 (MPRA-validated peak3365 silencer; plus strand). Cytogenetic location: 19p13.13.
Variant type: single nucleotide variant.
Coding change: c.1419+1G>C on transcript NM_000528.4 (MANE Select); the canonical splice donor site of the intron after coding-DNA position 1419, G replaced by C.
Molecular consequence: splice donor variant.
Genome position (GRCh38, 1-based): chr19:12,657,445, C>G on the plus strand (G>C on the coding strand, the complement: MAN2B1 is on the minus strand). VCF-style: chr19-12657445-C-G. GRCh37 (hg19) VCF-style: chr19-12768259-C-G.
Other names: c.1416+1G>C (NM_001173498.2).
Identifiers: ClinVar variation 3344450 (VCV003344450.1).

ClinVar aggregate classification (germline): Likely pathogenic (0 of 4 stars; one submission).

Conditions:
MAN2B1-related disorder. Also called: MAN2B1-related condition.

Submission:

PreventionGenetics, part of Exact Sciences
Classification: Likely pathogenic for MAN2B1-related condition. Last evaluated: 2024-08-31. Review status: no assertion criteria provided. Collection method: clinical testing. Allele origin: germline.
Comment: The MAN2B1 c.1419+1G>C variant is predicted to disrupt the GT donor site and interfere with normal splicing. To our knowledge, this variant has not been reported in the literature or in a large population database, indicating this variant is rare. Variants that disrupt the consensus splice donor site in MAN2B1 are expected to be pathogenic. This variant is interpreted as likely pathogenic.